The following is an entry in ClinVar:

NM_015346.4(ZFYVE26):c.2684del (p.Gly895fs)

Gene: ZFYVE26 (zinc finger FYVE-type containing 26; minus strand). Cytogenetic location: 14q24.1.
Variant type: Deletion.
Coding change: c.2684del on transcript NM_015346.4 (MANE Select); coding-DNA position 2684, one base deleted (G; older notation c.2684delG).
Protein change: p.Gly895fs; shifts the reading frame from glycine 895.
Molecular consequence: frameshift variant.
Genome position (GRCh38, 1-based): chr14:67,790,643, C deleted on the plus strand (G on the coding strand, the reverse complement: ZFYVE26 is on the minus strand); the first of 3 consecutive C bases (chr14:67,790,643-67,790,645); deleting any one gives the same sequence. VCF-style (leftmost placement, unchanged base first): chr14-67790642-AC-A. GRCh37 (hg19) VCF-style: chr14-68257359-AC-A.
Other names: short protein forms G895fs.
Identifiers: ClinVar variation 5013024 (VCV005013024.1).

ClinVar aggregate classification (germline): Pathogenic (1 of 4 stars; one submission).

Conditions:
Hereditary spastic paraplegia 15 (SPG15). Also called: SPASTIC PARAPLEGIA 15, AUTOSOMAL RECESSIVE; KJELLIN SYNDROME; SPASTIC PARAPLEGIA AND RETINAL DEGENERATION. Identifiers: Orphanet 100996, MedGen C1849128, MONDO:0010044, OMIM 270700.

Submission:

Myriad Genetics, Inc.
Classification: Pathogenic for Hereditary spastic paraplegia 15. Last evaluated: 2024-05-09. Review status: criteria provided, single submitter. Criteria: Myriad Autosomal Dominant, Autosomal Recessive and X-Linked Classification Criteria (2023). Collection method: clinical testing. Allele origin: unknown.
Comment: NM_015346.3(ZFYVE26):c.2684delG(G895Vfs*34) is expected to be pathogenic in the context of spastic paraplegia type 15. This variant is predicted to lead to an abnormal or absent protein product due to the creation of a premature termination codon in ZFYVE26, a gene where loss-of-function variants are known to be pathogenic. Please note: this variant was assessed in the context of healthy population screening.